The following is an entry in ClinVar:

ClinVar aggregate classification (germline): Uncertain significance (1 of 4 stars; one submission).

Conditions:
Early Myoclonic Encephalopathy. Identifiers: MedGen C0270855.

Allele frequency attached by ClinVar (database versions not stated): gnomAD exomes below 0.00001.
gnomAD v4.1: 1 of 1,614,122 alleles (0.000062%); highest among the groups gnomAD compares: Non-Finnish European, 0.000085%; no homozygotes.

Submission:

Labcorp Genetics (formerly Invitae), Labcorp
Classification: Uncertain significance for Early Myoclonic Encephalopathy. Last evaluated: 2022-07-25. Review status: criteria provided, single submitter. Criteria: Invitae Variant Classification Sherloc (09022015). Collection method: clinical testing. Allele origin: germline.
Comment: In summary, the available evidence is currently insufficient to determine the role of this variant in disease. Therefore, it has been classified as a Variant of Uncertain Significance. Algorithms developed to predict the effect of missense changes on protein structure and function (SIFT, PolyPhen-2, Align-GVGD) all suggest that this variant is likely to be tolerated. ClinVar contains an entry for this variant (Variation ID: 1004376). This variant has not been reported in the literature in individuals affected with JMJD1C-related conditions. This variant is not present in population databases (gnomAD no frequency). This sequence change replaces proline, which is neutral and non-polar, with serine, which is neutral and polar, at codon 2002 of the JMJD1C protein (p.Pro2002Ser).

NM_032776.3(JMJD1C):c.6004C>T (p.Pro2002Ser)

Gene: JMJD1C (jumonji domain containing 1C; minus strand). Cytogenetic location: 10q21.3.
Variant type: single nucleotide variant.
Coding change: c.6004C>T on transcript NM_032776.3 (MANE Select); coding-DNA position 6004, C replaced by T.
Protein change: p.Pro2002Ser; replaces proline 2002 with serine.
Molecular consequence: missense variant. On other transcripts: non-coding transcript variant (1).
Genome position (GRCh38, 1-based): chr10:63,193,010, G>A on the plus strand (C>T on the coding strand, the complement: JMJD1C is on the minus strand). VCF-style: chr10-63193010-G-A. GRCh37 (hg19) VCF-style: chr10-64952770-G-A.
Other names: c.5458C>T, p.Pro1820Ser (NM_001282948.2, NM_001318154.2); c.5140C>T, p.Pro1714Ser (NM_001318153.2); c.5890C>T, p.Pro1964Ser (NM_001322252.2); c.5347C>T, p.Pro1783Ser (NM_001322254.2, NM_001322258.2); short protein forms P1714S, P1783S, P1820S, P1964S, P2002S.
Identifiers: ClinVar variation 1004376 (VCV001004376.8), dbSNP rs1845025386, ClinGen allele CA377026247.